The following is an entry in ClinVar:

ClinVar aggregate classification (germline): Pathogenic (1 of 4 stars; one submission).

Conditions:
Gorlin syndrome. Also called: Basal cell nevus syndrome; Nevoid Basal Cell Carcinoma Syndrome. Identifiers: Orphanet 377, MedGen C0004779, MONDO:0007187.

Submission:

Labcorp Genetics (formerly Invitae), Labcorp
Classification: Pathogenic for Gorlin syndrome. Last evaluated: 2021-10-26. Review status: criteria provided, single submitter. Criteria: Invitae Variant Classification Sherloc (09022015). Collection method: clinical testing. Allele origin: germline.
Comment: This sequence change creates a premature translational stop signal (p.Ser350Lysfs*88) in the PTCH1 gene. It is expected to result in an absent or disrupted protein product. Loss-of-function variants in PTCH1 are known to be pathogenic (PMID: 16301862, 16419085). This variant is not present in population databases (ExAC no frequency). For these reasons, this variant has been classified as Pathogenic. This variant has not been reported in the literature in individuals affected with PTCH1-related conditions.

Literature cited by the submitters: PubMed 16301862; PubMed 16419085.

NM_000264.5(PTCH1):c.1045_1048dup (p.Ser350fs)

Gene: PTCH1 (patched 1; minus strand). Cytogenetic location: 9q22.32.
Variant type: Duplication.
Coding change: c.1045_1048dup on transcript NM_000264.5 (MANE Select); coding-DNA positions 1045 to 1048, 4 bases duplicated (AACA; older notation c.1045_1048dupAACA).
Protein change: p.Ser350fs; shifts the reading frame from serine 350.
Molecular consequence: frameshift variant. On other transcripts: non-coding transcript variant (1).
Genome position (GRCh38, 1-based): chr9:95,479,988-95,479,991, TGTT duplicated on the plus strand (AACA on the coding strand, the reverse complement: PTCH1 is on the minus strand). VCF-style (leftmost placement, unchanged base first): chr9-95479987-C-CTGTT. GRCh37 (hg19) VCF-style: chr9-98242269-C-CTGTT.
Other names: c.847_850dup, p.Ser284fs (NM_001083602.3); c.1042_1045dup, p.Ser349fs (NM_001083603.3); c.592_595dup, p.Ser199fs (NM_001083604.3, NM_001083605.3, NM_001083606.3 and 1 more transcripts); c.1045_1048dup, p.Ser350fs (NM_001354918.2); short protein forms S284fs, S349fs, S350fs, S199fs.
Identifiers: ClinVar variation 1433448 (VCV001433448.6), dbSNP rs2118388624, ClinGen allele CA2573144883.